The following is an entry in ClinVar:

ClinVar aggregate classification (germline): Conflicting classifications of pathogenicity. Review status: criteria provided, conflicting classifications (1 of 4 stars). 2 submissions from 2 submitters: Uncertain significance (1); Likely benign (1). Last evaluated 2025-08-03.

Allele frequency attached by ClinVar (database versions not stated): ExAC 0.00001; TOPMed 0.00002; gnomAD 0.00004; 1000 Genomes Project 30x 0.00016; 1000 Genomes Project 0.00020.
gnomAD v4.1: 37 of 1,613,938 alleles (0.0023%); highest among the groups gnomAD compares: African/African-American, 0.0053%; 1 homozygote.

Submissions (2):

Ambry Genetics
Classification: Likely benign. Last evaluated: 2025-08-03. Review status: criteria provided, single submitter. Criteria: Ambry Variant Classification Scheme 2023. Collection method: clinical testing. Allele origin: germline.

Labcorp Genetics (formerly Invitae), Labcorp
Classification: Uncertain significance. Last evaluated: 2024-12-24. Review status: criteria provided, single submitter. Criteria: Invitae Variant Classification Sherloc (09022015). Collection method: clinical testing. Allele origin: germline.
Comment: This sequence change replaces alanine, which is neutral and non-polar, with threonine, which is neutral and polar, at codon 609 of the RPS6KC1 protein (p.Ala609Thr). This variant is present in population databases (rs182116576, gnomAD 0.003%). This variant has not been reported in the literature in individuals affected with RPS6KC1-related conditions. ClinVar contains an entry for this variant (Variation ID: 1468548). An algorithm developed to predict the effect of missense changes on protein structure and function outputs the following: PolyPhen-2: "Benign". The threonine amino acid residue is found in multiple mammalian species, which suggests that this missense change does not adversely affect protein function. In summary, the available evidence is currently insufficient to determine the role of this variant in disease. Therefore, it has been classified as a Variant of Uncertain Significance.

NM_012424.6(RPS6KC1):c.1825G>A (p.Ala609Thr)

Gene: RPS6KC1 (ribosomal protein S6 kinase C1; plus strand). Cytogenetic location: 1q32.3.
Variant type: single nucleotide variant.
Coding change: c.1825G>A on transcript NM_012424.6 (MANE Select); coding-DNA position 1825, G replaced by A.
Protein change: p.Ala609Thr; replaces alanine 609 with threonine.
Molecular consequence: missense variant. On other transcripts: non-coding transcript variant (4).
Genome position (GRCh38, 1-based): chr1:213,241,301, G>A. VCF-style: chr1-213241301-G-A. GRCh37 (hg19) VCF-style: chr1-213414644-G-A.
Other names: c.1789G>A, p.Ala597Thr (NM_001136138.4); c.1189G>A, p.Ala397Thr (NM_001287218.3, NM_001287219.3, NM_001349654.2); c.430G>A, p.Ala144Thr (NM_001287220.3, NM_001349663.2, NM_001349664.2 and 8 more transcripts); c.1282G>A, p.Ala428Thr (NM_001287221.3, NM_001349648.2, NM_001349649.2 and 4 more transcripts); c.1732G>A, p.Ala578Thr (NM_001349646.2); c.1462G>A, p.Ala488Thr (NM_001349647.2); c.934G>A, p.Ala312Thr (NM_001349657.2, NM_001349658.2); c.769G>A, p.Ala257Thr (NM_001349659.2, NM_001349660.2, NM_001349661.2 and 1 more transcripts); and 1 more; short protein forms A144T, A257T, A597T, A488T, A312T, A578T, A397T, A428T.
Identifiers: ClinVar variation 1468548 (VCV001468548.7), dbSNP rs182116576, ClinGen allele CA1387527.